The following is an entry in ClinVar:

ClinVar aggregate classification (germline): Benign. Review status: criteria provided, single submitter (1 of 4 stars). 2 submissions from 2 submitters: Benign (1). 1 of the submissions does not count toward it. Last evaluated 2026-01-29.

Conditions:
PMPCB-related disorder. Also called: PMPCB-related condition.

Allele frequency attached by ClinVar (database versions not stated): gnomAD exomes 0.00103; gnomAD 0.00119; TOPMed 0.00176; ExAC 0.00274; 1000 Genomes Project 0.00799; 1000 Genomes Project 30x 0.00843.
gnomAD v4.1: 1,701 of 1,612,320 alleles (0.11%); highest among the groups gnomAD compares: East Asian, 2.9%; 27 homozygotes.

Submissions (2):

Labcorp Genetics (formerly Invitae), Labcorp
Classification: Benign. Last evaluated: 2026-01-29. Review status: criteria provided, single submitter. Criteria: Invitae Variant Classification Sherloc (09022015). Collection method: clinical testing. Allele origin: germline.

PreventionGenetics, part of Exact Sciences
Classification: Benign for PMPCB-related condition. Last evaluated: 2019-09-17. Review status: no assertion criteria provided. Collection method: clinical testing. Allele origin: germline. Not counted in ClinVar's aggregate classification.
Comment: This variant is classified as benign based on ACMG/AMP sequence variant interpretation guidelines (Richards et al. 2015 PMID: 25741868, with internal and published modifications).

NM_004279.3(PMPCB):c.1123G>A (p.Ala375Thr)

Gene: PMPCB (peptidase, mitochondrial processing subunit beta; plus strand). Cytogenetic location: 7q22.1.
Variant type: single nucleotide variant.
Coding change: c.1123G>A on transcript NM_004279.3 (MANE Select); coding-DNA position 1123, G replaced by A.
Protein change: p.Ala375Thr; replaces alanine 375 with threonine.
Molecular consequence: missense variant.
Genome position (GRCh38, 1-based): chr7:103,310,444, G>A. VCF-style: chr7-103310444-G-A. GRCh37 (hg19) VCF-style: chr7-102950891-G-A.
Other names: c.1123G>A (NM_004279.2); short protein forms A375T.
Identifiers: ClinVar variation 2048265 (VCV002048265.6), dbSNP rs117074402, ClinGen allele CA4418193.
Genomic context (GRCh38, chr7:103,310,444, plus strand): 5'-ACTTCCTACACAGATACAGGATTATGGGGACTGTATATGGTTTGTGAATCATCCACTGTT[G>A]CAGACATGCTACATGTTGTTCAAAAAGAATGGTGAGAAAAATAGCTTTAAGTAATTTAAA-3'
Protein context (NP_004270.2, residues 365-385): LYMVCESSTV[Ala375Thr]DMLHVVQKEW